The following is an entry in ClinVar:

NM_001212.4(C1QBP):c.265G>A (p.Glu89Lys)

Gene: C1QBP (complement C1q binding protein; minus strand). Cytogenetic location: 17p13.2.
Variant type: single nucleotide variant.
Coding change: c.265G>A on transcript NM_001212.4 (MANE Select); coding-DNA position 265, G replaced by A.
Protein change: p.Glu89Lys; replaces glutamic acid 89 with lysine.
Molecular consequence: missense variant.
Genome position (GRCh38, 1-based): chr17:5,438,241, C>T on the plus strand (G>A on the coding strand, the complement: C1QBP is on the minus strand). VCF-style: chr17-5438241-C-T. GRCh37 (hg19) VCF-style: chr17-5341561-C-T.
Other names: short protein forms E89K.
Identifiers: ClinVar variation 2109365 (VCV002109365.1), dbSNP rs1216225857, ClinGen allele CA397373424.

ClinVar aggregate classification (germline): Uncertain significance (1 of 4 stars; one submission).

Allele frequency attached by ClinVar (database versions not stated): gnomAD exomes below 0.00001.
gnomAD v4.1: 1 of 1,614,138 alleles (0.000062%); highest among the groups gnomAD compares: Non-Finnish European, 0.000085%; no homozygotes.

Submission:

Labcorp Genetics (formerly Invitae), Labcorp
Classification: Uncertain significance. Last evaluated: 2022-08-09. Review status: criteria provided, single submitter. Criteria: Invitae Variant Classification Sherloc (09022015). Collection method: clinical testing. Allele origin: germline.
Comment: This sequence change replaces glutamic acid, which is acidic and polar, with lysine, which is basic and polar, at codon 89 of the C1QBP protein (p.Glu89Lys). This variant is present in population databases (no rsID available, gnomAD 0.0009%). This variant has not been reported in the literature in individuals affected with C1QBP-related conditions. Algorithms developed to predict the effect of missense changes on protein structure and function are either unavailable or do not agree on the potential impact of this missense change (SIFT: "Deleterious"; PolyPhen-2: "Probably Damaging"; Align-GVGD: "Class C0"). In summary, the available evidence is currently insufficient to determine the role of this variant in disease. Therefore, it has been classified as a Variant of Uncertain Significance.